The following is an entry in ClinVar:

NM_015107.3(PHF8):c.1995+1G>A

Gene: PHF8 (PHD finger protein 8; minus strand). Cytogenetic location: Xp11.22.
Variant type: single nucleotide variant.
Coding change: c.1995+1G>A on transcript NM_015107.3 (MANE Select); the canonical splice donor site of the intron after coding-DNA position 1995, G replaced by A.
Molecular consequence: splice donor variant.
Genome position (GRCh38, 1-based): chrX:53,987,077, C>T on the plus strand (G>A on the coding strand, the complement: PHF8 is on the minus strand). VCF-style: chrX-53987077-C-T. GRCh37 (hg19) VCF-style: chrX-54013510-C-T.
Other names: c.2103+1G>A (NM_001184896.1); c.1692+1G>A (NM_001184897.2); c.1995+1G>A (NM_001184898.2).
Identifiers: ClinVar variation 2431835 (VCV002431835.1), dbSNP rs2519528965, ClinGen allele CA413254536.
Genomic context (GRCh38, chrX:53,987,077, plus strand): 5'-ATCTGTCTTCTGTCTCTATCACCAGAATGAGCAGAAGACTAGATCCAGGGCAGAATCCTA[C>T]CTCAATGTCAAACTCAACTTCTCCTGGTTCACGAACTCGGTTGGGGTCAGAGCAAGGCTT-3'

ClinVar aggregate classification (germline): Likely pathogenic (1 of 4 stars; one submission).

Conditions:
Intellectual developmental disorder, X-linked, syndromic, Siderius type. Also called: Syndromic X-linked intellectual disability Siderius type. Identifiers: Orphanet 85287, MedGen C1846055, MONDO:0010286, OMIM 300263.

Submission:

Laboratorio de Genetica e Diagnostico Molecular, Hospital Israelita Albert Einstein
Classification: Likely pathogenic for Intellectual developmental disorder, X-linked, syndromic, Siderius type. Last evaluated: 2022-07-07. Review status: criteria provided, single submitter. Criteria: ACMG Guidelines, 2015. Collection method: clinical testing. Allele origin: germline. Affected: yes. Observed: 1 variant allele.
Comment: ACMG classification criteria: PVS1 very strong, PM2 moderated